The following is an entry in ClinVar:

ClinVar aggregate classification (germline): Uncertain significance (1 of 4 stars; one submission).

Submission:

Labcorp Genetics (formerly Invitae), Labcorp
Classification: Uncertain significance. Last evaluated: 2023-10-05. Review status: criteria provided, single submitter. Criteria: Invitae Variant Classification Sherloc (09022015). Collection method: clinical testing. Allele origin: germline.
Comment: This sequence change replaces isoleucine, which is neutral and non-polar, with phenylalanine, which is neutral and non-polar, at codon 711 of the SCN3A protein (p.Ile711Phe). This variant is not present in population databases (gnomAD no frequency). This variant has not been reported in the literature in individuals affected with SCN3A-related conditions. Advanced modeling of protein sequence and biophysical properties (such as structural, functional, and spatial information, amino acid conservation, physicochemical variation, residue mobility, and thermodynamic stability) performed at Invitae indicates that this missense variant is not expected to disrupt SCN3A protein function. In summary, the available evidence is currently insufficient to determine the role of this variant in disease. Therefore, it has been classified as a Variant of Uncertain Significance.

NM_006922.4(SCN3A):c.2131A>T (p.Ile711Phe)

Gene: SCN3A (sodium voltage-gated channel alpha subunit 3; minus strand). Cytogenetic location: 2q24.3.
Variant type: single nucleotide variant.
Coding change: c.2131A>T on transcript NM_006922.4 (MANE Select); coding-DNA position 2131, A replaced by T.
Protein change: p.Ile711Phe; replaces isoleucine 711 with phenylalanine.
Molecular consequence: missense variant.
Genome position (GRCh38, 1-based): chr2:165,139,497, T>A on the plus strand (A>T on the coding strand, the complement: SCN3A is on the minus strand). VCF-style: chr2-165139497-T-A. GRCh37 (hg19) VCF-style: chr2-165996007-T-A.
Other names: c.1984A>T, p.Ile662Phe (NM_001081676.2, NM_001081677.2); short protein forms I662F, I711F.
Identifiers: ClinVar variation 2833734 (VCV002833734.3), dbSNP rs2468313140, ClinGen allele CA349045547.